The following is an entry in ClinVar:

ClinVar aggregate classification (germline): Uncertain significance (1 of 4 stars; one submission).

Submission:

Dasa
Classification: Uncertain significance. Last evaluated: 2025-07-09. Review status: criteria provided, single submitter. Criteria: DASA Assertion Criteria. Collection method: clinical testing. Allele origin: germline.
Comment: NM_016938.5(EFEMP2):c.239G>T (p.Cys80Phe) is a missense variant that results in the substitution of cysteine with phenylalanine. This variant is absent from population databases. Computational prediction algorithms are consistent with a deleterious effect. The currently available literature and clinical evidence are not sufficient to establish a definitive association between this variant and the reported condition. Therefore, this variant is classified as a variant of uncertain significance.

NM_016938.5(EFEMP2):c.239G>T (p.Cys80Phe)

Gene: EFEMP2 (EGF-like fibulin extracellular matrix protein 2; minus strand). Cytogenetic location: 11q13.1.
Variant type: single nucleotide variant.
Coding change: c.239G>T on transcript NM_016938.5 (MANE Select); coding-DNA position 239, G replaced by T.
Protein change: p.Cys80Phe; replaces cysteine 80 with phenylalanine.
Molecular consequence: missense variant. On other transcripts: non-coding transcript variant (1).
Genome position (GRCh38, 1-based): chr11:65,871,285, C>A on the plus strand (G>T on the coding strand, the complement: EFEMP2 is on the minus strand). VCF-style: chr11-65871285-C-A. GRCh37 (hg19) VCF-style: chr11-65638756-C-A.
Other names: short protein forms C80F.
Identifiers: ClinVar variation 4882579 (VCV004882579.2).